The following is an entry in ClinVar:

NM_000238.4(KCNH2):c.665_669delinsC (p.Val222fs)

Gene: KCNH2 (potassium voltage-gated channel subfamily H member 2; minus strand). Cytogenetic location: 7q36.1.
Variant type: Indel.
Coding change: c.665_669delinsC on transcript NM_000238.4 (MANE Select); coding-DNA positions 665 to 669, TGGCA replaced by C.
Protein change: p.Val222fs; shifts the reading frame from valine 222.
Molecular consequence: frameshift variant.
Genome position (GRCh38, 1-based): chr7:150,958,306-150,958,310, TGCCA replaced by G on the plus strand (TGGCA replaced by C on the coding strand, the reverse complement: KCNH2 is on the minus strand). VCF-style: chr7-150958306-TGCCA-G. GRCh37 (hg19) VCF-style: chr7-150655394-TGCCA-G.
Other names: c.665_669delinsC (NM_000238.2); c.377_381delTGGCAinsC, p.Val126Alafs (NM_001406753.1, NM_001406756.1); c.488_492delTGGCAinsC, p.Val163Alafs (NM_001406755.1); c.365_369delTGGCAinsC, p.Val122Alafs (NM_001406757.1); c.665_669delTGGCAinsC, p.Val222Alafs (NM_172056.3); short protein forms V222fs.
Identifiers: ClinVar variation 426429 (VCV000426429.13), dbSNP rs1085307620, ClinGen allele CA645294046.

ClinVar aggregate classification (germline): Pathogenic. Review status: criteria provided, multiple submitters, no conflicts (2 of 4 stars). 3 submissions from 3 submitters: Pathogenic (3). Last evaluated 2026-08-13.

Conditions:
Cardiovascular phenotype. Identifiers: MedGen CN230736.
Long QT syndrome (LQTS). Identifiers: MedGen C0023976, MeSH D008133, MONDO:0002442. Disease mechanism: loss of function. Inheritance: Various modes of inheritance.

Submissions (3):

GeneDx
Classification: Pathogenic. Last evaluated: 2026-08-13. Review status: criteria provided, single submitter. Criteria: GeneDx Variant Classification Process June 2021. Collection method: clinical testing. Allele origin: germline.
Comment: Has not been previously published as pathogenic or benign to our knowledge; Not observed at significant frequency in large population cohorts (gnomAD); Frameshift variant predicted to result in protein truncation or nonsense mediated decay in a gene for which loss of function is a known mechanism of disease

Ambry Genetics
Classification: Pathogenic for Cardiovascular phenotype. Last evaluated: 2024-12-06. Review status: criteria provided, single submitter. Criteria: Ambry Variant Classification Scheme 2023. Collection method: clinical testing. Allele origin: germline.
Comment: The c.665_669delTGGCAinsC pathogenic mutation, located in coding exon 4 of the KCNH2 gene, results from the deletion of 5 nucleotides and insertion of one nucleotide causing a translational frameshift with a predicted alternate stop codon (p.V222Afs*137). This variant is considered to be rare based on population cohorts in the Genome Aggregation Database (gnomAD). This alteration is expected to result in loss of function by premature protein truncation or nonsense-mediated mRNA decay. As such, this alteration is interpreted as a disease-causing mutation.

Labcorp Genetics (formerly Invitae), Labcorp
Classification: Pathogenic for Long QT syndrome. Last evaluated: 2020-12-31. Review status: criteria provided, single submitter. Criteria: Invitae Variant Classification Sherloc (09022015). Collection method: clinical testing. Allele origin: germline.
Comment: This variant has been observed in a family with clinical features of long QT syndrome (Invitae). The frequency data for this variant in the population databases is considered unreliable, as metrics indicate insufficient coverage at this position in the ExAC database. This sequence change creates a premature translational stop signal (p.Val222Alafs*137) in the KCNH2 gene. It is expected to result in an absent or disrupted protein product. Loss-of-function variants in KCNH2 are known to be pathogenic (PMID: 10973849, 19862833). ClinVar contains an entry for this variant (Variation ID: 426429). For these reasons, this variant has been classified as Pathogenic.

Literature cited by the submitters: PubMed 10973849 (cited by Labcorp Genetics (formerly Invitae), Labcorp); PubMed 19862833 (cited by Labcorp Genetics (formerly Invitae), Labcorp).